The following is an entry in ClinVar:

ClinVar aggregate classification (germline): Uncertain significance. Review status: criteria provided, multiple submitters, no conflicts (2 of 4 stars). 4 submissions from 4 submitters: Uncertain significance (3). 1 of the submissions does not count toward it. Last evaluated 2025-12-14.

Conditions:
HOXB13-related disorder. Also called: HOXB13-related condition; HOXB13-related disorders.
Hereditary cancer-predisposing syndrome. Also called: Tumor predisposition; Hereditary Cancer Syndrome; Neoplastic Syndromes, Hereditary; Hereditary neoplastic syndrome. Identifiers: Orphanet 140162, MedGen C0027672, MeSH D009386, MONDO:0015356.

Allele frequency attached by ClinVar (database versions not stated): gnomAD exomes below 0.00001; TOPMed below 0.00001; ExAC 0.00001; gnomAD 0.00001.

Submissions (4):

Labcorp Genetics (formerly Invitae), Labcorp
Classification: Uncertain significance. Last evaluated: 2025-12-14. Review status: criteria provided, single submitter. Criteria: Invitae Variant Classification Sherloc (09022015). Collection method: clinical testing. Allele origin: germline.
Comment: This sequence change replaces serine, which is neutral and polar, with threonine, which is neutral and polar, at codon 281 of the HOXB13 protein (p.Ser281Thr). This variant is present in population databases (rs763960333, gnomAD 0.007%). This variant has not been reported in the literature in individuals affected with HOXB13-related conditions. ClinVar contains an entry for this variant (Variation ID: 822415). An algorithm developed to predict the effect of missense changes on protein structure and function outputs the following: PolyPhen-2: "Benign". The threonine amino acid residue is found in multiple mammalian species, which suggests that this missense change does not adversely affect protein function. In summary, the available evidence is currently insufficient to determine the role of this variant in disease. Therefore, it has been classified as a Variant of Uncertain Significance.

GeneDx
Classification: Uncertain significance. Last evaluated: 2024-12-05. Review status: criteria provided, single submitter. Criteria: GeneDx Variant Classification Process June 2021. Collection method: clinical testing. Allele origin: germline. Affected: yes.
Comment: Not observed at significant frequency in large population cohorts (gnomAD); In silico analysis indicates that this missense variant does not alter protein structure/function; Has not been previously published as pathogenic or benign to our knowledge; This variant is associated with the following publications: (PMID: 28272408, 19389631)

Ambry Genetics
Classification: Uncertain significance for Hereditary cancer-predisposing syndrome. Last evaluated: 2024-05-20. Review status: criteria provided, single submitter. Criteria: Ambry Variant Classification Scheme 2023. Collection method: clinical testing. Allele origin: germline.
Comment: The p.S281T variant (also known as c.842G>C), located in coding exon 2 of the HOXB13 gene, results from a G to C substitution at nucleotide position 842. The serine at codon 281 is replaced by threonine, an amino acid with similar properties. This amino acid position is not well conserved in available vertebrate species. In addition, this alteration is predicted to be tolerated by in silico analysis. Since supporting evidence is limited at this time, the clinical significance of this alteration remains unclear.

PreventionGenetics, part of Exact Sciences
Classification: Uncertain significance for HOXB13-related condition. Last evaluated: 2024-04-22. Review status: no assertion criteria provided. Collection method: clinical testing. Allele origin: germline. Not counted in ClinVar's aggregate classification.
Comment: The HOXB13 c.842G>C variant is predicted to result in the amino acid substitution p.Ser281Thr. To our knowledge, this variant has not been reported in the literature. This variant is reported in 0.0062% of alleles in individuals of African descent in gnomAD. This variant is interpreted as a variant of uncertain significance in ClinVar. At this time, the clinical significance of this variant is uncertain due to the absence of conclusive functional and genetic evidence.

Literature cited by the submitters: PubMed 28272408 (cited by Ambry Genetics).

NM_006361.6(HOXB13):c.842G>C (p.Ser281Thr)

Gene: HOXB13 (homeobox B13; minus strand). Cytogenetic location: 17q21.32.
Variant type: single nucleotide variant.
Coding change: c.842G>C on transcript NM_006361.6 (MANE Select); coding-DNA position 842, G replaced by C.
Protein change: p.Ser281Thr; replaces serine 281 with threonine.
Molecular consequence: missense variant.
Genome position (GRCh38, 1-based): chr17:48,726,803, C>G on the plus strand (G>C on the coding strand, the complement: HOXB13 is on the minus strand). VCF-style: chr17-48726803-C-G. GRCh37 (hg19) VCF-style: chr17-46804165-C-G.
Other names: short protein forms S281T.
Identifiers: ClinVar variation 822415 (VCV000822415.16), dbSNP rs763960333, ClinGen allele CA8633900.